The following is an entry in ClinVar:

NM_001256789.3(CACNA1F):c.1208dup (p.Tyr404fs)

Gene: CACNA1F (calcium voltage-gated channel subunit alpha1 F; minus strand). Cytogenetic location: Xp11.23.
Variant type: Duplication.
Coding change: c.1208dup on transcript NM_001256789.3 (MANE Select); coding-DNA position 1208, one base duplicated (G; older notation c.1208dupG).
Protein change: p.Tyr404fs; shifts the reading frame from tyrosine 404.
Molecular consequence: frameshift variant.
Genome position (GRCh38, 1-based): chrX:49,227,038, C duplicated on the plus strand (G on the coding strand, the reverse complement: CACNA1F is on the minus strand); the first of 4 consecutive C bases (chrX:49,227,038-49,227,041); duplicating any one gives the same sequence. VCF-style (leftmost placement, unchanged base first): chrX-49227037-G-GC. GRCh37 (hg19) VCF-style: chrX-49083499-G-GC.
Other names: c.1013dup, p.Tyr339fs (NM_001256790.3); c.1208dup, p.Tyr404fs (NM_005183.4); short protein forms Y339fs, Y404fs.
Identifiers: ClinVar variation 4292673 (VCV004292673.1).

ClinVar aggregate classification (germline): Likely pathogenic (1 of 4 stars; one submission).

Conditions:
Congenital stationary night blindness 2A (CSNB2A). Also called: CSNB, INCOMPLETE, X-LINKED; CACNA1F-Related X-Linked Congenital Stationary Night Blindness; NIGHT BLINDNESS, CONGENITAL STATIONARY, TYPE 2; Night blindness, congenital stationary (incomplete), 2A, X-linked. Identifiers: Orphanet 215, MedGen C1848172, MONDO:0010241, OMIM 300071.

Submission:

3billion
Classification: Likely pathogenic for Congenital stationary night blindness 2A. Last evaluated: 2024-11-25. Review status: criteria provided, single submitter. Criteria: ACMG Guidelines, 2015. Collection method: clinical testing. Allele origin: germline. Affected: yes.
Comment: The variant is not observed in the gnomAD v4.1.0 dataset. Predicted Consequence/Location: Frameshift: predicted to result in a loss or disruption of normal protein function through nonsense-mediated decay (NMD) or protein truncation. Multiple pathogenic variants are reported downstream of the variant. Therefore, this variant is classified as Likely pathogenic according to the recommendation of ACMG/AMP guideline.